The following is an entry in ClinVar:

ClinVar aggregate classification (germline): Uncertain significance. Review status: criteria provided, multiple submitters, no conflicts (2 of 4 stars). 2 submissions from 2 submitters: Uncertain significance (2). Last evaluated 2025-08-12.

Conditions:
Inborn genetic diseases. Identifiers: MedGen C0950123, MeSH D030342.
Aicardi-Goutieres syndrome 4. Identifiers: Orphanet 51, MedGen C1835912, MONDO:0012472, OMIM 610333.

Allele frequency attached by ClinVar (database versions not stated): gnomAD 0.00001; gnomAD exomes 0.00001 and 0.00005; TOPMed 0.00002; ExAC 0.00004.
gnomAD v4.1: 13 of 1,570,120 alleles (0.00083%); highest among the groups gnomAD compares: Admixed American, 0.021%; no homozygotes.

Submissions (2):

Ambry Genetics
Classification: Uncertain significance for Inborn genetic diseases. Last evaluated: 2025-08-12. Review status: criteria provided, single submitter. Criteria: Ambry Variant Classification Scheme 2023. Collection method: clinical testing. Allele origin: germline.

Labcorp Genetics (formerly Invitae), Labcorp
Classification: Uncertain significance for Aicardi-Goutieres syndrome 4. Last evaluated: 2025-07-07. Review status: criteria provided, single submitter. Criteria: Invitae Variant Classification Sherloc (09022015). Collection method: clinical testing. Allele origin: germline.
Comment: This sequence change replaces alanine, which is neutral and non-polar, with valine, which is neutral and non-polar, at codon 22 of the RNASEH2A protein (p.Ala22Val). This variant is present in population databases (rs768625813, gnomAD 0.03%). This variant has not been reported in the literature in individuals affected with RNASEH2A-related conditions. ClinVar contains an entry for this variant (Variation ID: 1440767). Invitae Evidence Modeling of protein sequence and biophysical properties (such as structural, functional, and spatial information, amino acid conservation, physicochemical variation, residue mobility, and thermodynamic stability) indicates that this missense variant is not expected to disrupt RNASEH2A protein function with a negative predictive value of 80%. In summary, the available evidence is currently insufficient to determine the role of this variant in disease. Therefore, it has been classified as a Variant of Uncertain Significance.

NM_006397.3(RNASEH2A):c.65C>T (p.Ala22Val)

Genes: RNASEH2A (ribonuclease H2 subunit A; plus strand), LOC117038795 (CRISPRi-FlowFISH-validated PRDX2 regulatory element 4; plus strand). Cytogenetic location: 19p13.13.
Variant type: single nucleotide variant.
Coding change: c.65C>T on transcript NM_006397.3 (MANE Select); coding-DNA position 65, C replaced by T.
Protein change: p.Ala22Val; replaces alanine 22 with valine.
Molecular consequence: missense variant.
Genome position (GRCh38, 1-based): chr19:12,806,738, C>T. VCF-style: chr19-12806738-C-T. GRCh37 (hg19) VCF-style: chr19-12917552-C-T.
Other names: c.65C>T (NM_006397.2); short protein forms A22V.
Identifiers: ClinVar variation 1440767 (VCV001440767.8), dbSNP rs768625813, ClinGen allele CA9231715.
Genomic context (GRCh38, chr19:12,806,738, plus strand): 5'-ATCTCAGCGAGCTGGAGAGAGACAATACAGGCCGCTGTCGCCTGAGTTCGCCTGTGCCCG[C>T]GGTGTGCCGCAAGGAGCCTTGCGTCCTGGGCGTCGATGAGGCGGGCAGGGGCCCCGTGCT-3'
Protein context (NP_006388.2, residues 12-32): GRCRLSSPVP[Ala22Val]VCRKEPCVLG